The following is an entry in ClinVar:

ClinVar aggregate classification (germline): Uncertain significance (1 of 4 stars; one submission).

Submission:

Dasa
Classification: Uncertain significance. Last evaluated: 2025-03-12. Review status: criteria provided, single submitter. Criteria: DASA Assertion Criteria. Collection method: clinical testing. Allele origin: germline.
Comment: NM_020791.4(TAOK1):c.2522G>A (p.Arg841Gln) is a missense variant that results in the substitution of arginine with glutamine. This variant is rare in population databases. The currently available literature and clinical evidence are not sufficient to establish a definitive association between this variant and the reported condition. Therefore, this variant is classified as a variant of uncertain significance.

NM_020791.4(TAOK1):c.2522G>A (p.Arg841Gln)

Gene: TAOK1 (TAO kinase 1; plus strand). Cytogenetic location: 17q11.2.
Variant type: single nucleotide variant.
Coding change: c.2522G>A on transcript NM_020791.4 (MANE Select); coding-DNA position 2522, G replaced by A.
Protein change: p.Arg841Gln; replaces arginine 841 with glutamine.
Molecular consequence: missense variant.
Genome position (GRCh38, 1-based): chr17:29,534,278, G>A. VCF-style: chr17-29534278-G-A. GRCh37 (hg19) VCF-style: chr17-27861296-G-A.
Other names: c.2078G>A, p.Arg693Gln (NM_025142.1); short protein forms R693Q, R841Q.
Identifiers: ClinVar variation 4883431 (VCV004883431.2).
Genomic context (GRCh38, chr17:29,534,278, plus strand): 5'-TGCAAGCTGAGGCACAACATGATCGAGAGCTTCGCGAGCTTGAACAGAGGGTCTCCCTCC[G>A]GAGGGCACTCTTAGAACAAAAGGTATAAGTAATAGAAGGAAAAATCATTGTTTTCGAATT-3'
Protein context (NP_065842.1, residues 831-851): LRELEQRVSL[Arg841Gln]RALLEQKIEE